The following is an entry in ClinVar:

ClinVar aggregate classification (germline): Uncertain significance. Review status: criteria provided, multiple submitters, no conflicts (2 of 4 stars). 7 submissions from 7 submitters: Uncertain significance (7). Last evaluated 2026-02-03.

Conditions:
POLD1-related polyposis and colorectal cancer syndrome (CRCS10). Also called: Colorectal cancer 10; COLORECTAL CANCER, SUSCEPTIBILITY TO, ON CHROMOSOME 19q; Colorectal cancer, susceptibility to, 10. Identifiers: Orphanet 220460, MedGen C2675481, MONDO:0012953, OMIM 612591.
POLD1-related disorder. Also called: POLD1-related condition; POLD1-related disorders.
Hereditary cancer-predisposing syndrome. Also called: Neoplastic Syndromes, Hereditary; Hereditary neoplastic syndrome; Tumor predisposition; Hereditary Cancer Syndrome. Identifiers: Orphanet 140162, MedGen C0027672, MeSH D009386, MONDO:0015356.

Allele frequency attached by ClinVar (database versions not stated): gnomAD exomes below 0.00001 and 0.00001; gnomAD 0.00001; TOPMed 0.00003.
gnomAD v4.1: 9 of 1,592,496 alleles (0.00057%); highest among the groups gnomAD compares: Admixed American, 0.0017%; no homozygotes.

Submissions (7):

PreventionGenetics, part of Exact Sciences
Classification: Uncertain significance for POLD1-related condition. Last evaluated: 2026-02-03. Review status: criteria provided, single submitter. Criteria: ACMG Guidelines, 2015. Collection method: clinical testing. Allele origin: germline.
Comment: The POLD1 c.958G>A variant is predicted to result in the amino acid substitution p.Ala320Thr. To our knowledge, this variant has not been reported in the literature. This variant is reported in 0.0030% of alleles in individuals of Latino descent in gnomAD. This alteration is documented as a variant of uncertain significance by multiple labs in the ClinVar database (Variation ID: 469398). At this time, the clinical significance of this variant is uncertain due to the absence of conclusive functional and genetic evidence.

Labcorp Genetics (formerly Invitae), Labcorp
Classification: Uncertain significance for POLD1-related polyposis and colorectal cancer syndrome. Last evaluated: 2025-11-17. Review status: criteria provided, single submitter. Criteria: Invitae Variant Classification Sherloc (09022015). Collection method: clinical testing. Allele origin: germline.
Comment: This sequence change replaces alanine, which is neutral and non-polar, with threonine, which is neutral and polar, at codon 320 of the POLD1 protein (p.Ala320Thr). The frequency data for this variant in the population databases is considered unreliable, as metrics indicate poor data quality at this position in the gnomAD database. This variant has not been reported in the literature in individuals affected with POLD1-related conditions. ClinVar contains an entry for this variant (Variation ID: 469398). Invitae Evidence Modeling of protein sequence and biophysical properties (such as structural, functional, and spatial information, amino acid conservation, physicochemical variation, residue mobility, and thermodynamic stability) indicates that this missense variant is not expected to disrupt POLD1 protein function with a negative predictive value of 80%. In summary, the available evidence is currently insufficient to determine the role of this variant in disease. Therefore, it has been classified as a Variant of Uncertain Significance.

Quest Diagnostics Nichols Institute San Juan Capistrano
Classification: Uncertain significance. Last evaluated: 2025-06-05. Review status: criteria provided, single submitter. Criteria: Quest Diagnostics criteria. Collection method: clinical testing. Allele origin: unknown.
Comment: The POLD1 c.958G>A (p.Ala320Thr) variant has not been reported in individuals with POLD1-related conditions in the published literature. The frequency of this variant in the general population (Genome Aggregation Database) is uninformative in the assessment of its pathogenicity. Analysis of this variant using bioinformatics tools for the prediction of the effect of amino acid changes on protein structure and function yielded predictions that this variant is damaging. Based on the available information, we are unable to determine the clinical significance of this variant.

Ambry Genetics
Classification: Uncertain significance for Hereditary cancer-predisposing syndrome. Last evaluated: 2025-03-30. Review status: criteria provided, single submitter. Criteria: Ambry Variant Classification Scheme 2023. Collection method: clinical testing. Allele origin: germline.
Comment: The p.A320T variant (also known as c.958G>A), located in coding exon 7 of the POLD1 gene, results from a G to A substitution at nucleotide position 958. The alanine at codon 320 is replaced by threonine, an amino acid with similar properties. This amino acid position is highly conserved in available vertebrate species. In addition, the in silico prediction for this alteration is inconclusive. Since supporting evidence is limited at this time, the clinical significance of this alteration remains unclear.

Baylor Genetics
Classification: Uncertain significance for POLD1-related polyposis and colorectal cancer syndrome. Last evaluated: 2023-10-15. Review status: criteria provided, single submitter. Criteria: ACMG Guidelines, 2015. Collection method: clinical testing. Allele origin: unknown.

GeneDx
Classification: Uncertain significance. Last evaluated: 2022-05-10. Review status: criteria provided, single submitter. Criteria: GeneDx Variant Classification Process June 2021. Collection method: clinical testing. Allele origin: germline. Affected: yes.
Comment: Not observed at a significant frequency in large population cohorts (gnomAD); In silico analysis supports that this missense variant has a deleterious effect on protein structure/function; Has not been previously published as pathogenic or benign to our knowledge; This variant is associated with the following publications: (PMID: 29056344, 20951805)

Blueprint Genetics
Classification: Uncertain significance. Last evaluated: 2021-02-08. Review status: criteria provided, single submitter. Criteria: ACMG Guidelines, 2015. Collection method: clinical testing. Allele origin: germline.

NM_002691.4(POLD1):c.958G>A (p.Ala320Thr)

Gene: POLD1 (DNA polymerase delta 1, catalytic subunit; plus strand). Cytogenetic location: 19q13.33.
Variant type: single nucleotide variant.
Coding change: c.958G>A on transcript NM_002691.4 (MANE Select); coding-DNA position 958, G replaced by A.
Protein change: p.Ala320Thr; replaces alanine 320 with threonine.
Molecular consequence: missense variant. On other transcripts: non-coding transcript variant (1).
Genome position (GRCh38, 1-based): chr19:50,402,729, G>A. VCF-style: chr19-50402729-G-A. GRCh37 (hg19) VCF-style: chr19-50905986-G-A.
Other names: c.958G>A, p.Ala320Thr (NM_001256849.1, NM_001308632.1); short protein forms A320T.
Identifiers: ClinVar variation 469398 (VCV000469398.25), dbSNP rs1488821062, ClinGen allele CA406977412.